The following is an entry in ClinVar:

NM_004006.3(DMD):c.4675-8C>G

Gene: DMD (dystrophin; minus strand). Cytogenetic location: Xp21.1.
Variant type: single nucleotide variant.
Coding change: c.4675-8C>G on transcript NM_004006.3 (MANE Select); 8 bases into the intron before coding-DNA position 4675, C replaced by G.
Molecular consequence: intron variant.
Genome position (GRCh38, 1-based): chrX:32,380,688, G>C on the plus strand (C>G on the coding strand, the complement: DMD is on the minus strand). VCF-style: chrX-32380688-G-C. GRCh37 (hg19) VCF-style: chrX-32398805-G-C.
Other names: c.4651-8C>G (NM_000109.4); c.652-8C>G (NM_004011.4); c.643-8C>G (NM_004012.4); c.4663-8C>G (NM_004009.3); c.4306-8C>G (NM_004010.3).
Identifiers: ClinVar variation 2164681 (VCV002164681.17), dbSNP rs1304106121, ClinGen allele CA641364135.

ClinVar aggregate classification (germline): Likely benign. Review status: criteria provided, multiple submitters, no conflicts (2 of 4 stars). 2 submissions from 2 submitters: Likely benign (2). Last evaluated 2025-01-01.

Conditions:
Duchenne muscular dystrophy (DMD). Also called: Duchenne Muscular Dystrophy (DMD); MUSCULAR DYSTROPHY, PSEUDOHYPERTROPHIC PROGRESSIVE, DUCHENNE TYPE. Identifiers: Orphanet 98896, MedGen C0013264, MONDO:0010679, OMIM 310200.

Allele frequency attached by ClinVar (database versions not stated): gnomAD 0.00001; TOPMed 0.00001; gnomAD exomes 0.00002.
gnomAD v4.1: 19 of 1,194,665 alleles (0.0016%); highest among the groups gnomAD compares: Non-Finnish European, 0.0021%; no homozygotes.

Submissions (2):

CeGaT Center for Human Genetics Tuebingen
Classification: Likely benign. Last evaluated: 2025-01-01. Review status: criteria provided, single submitter. Criteria: CeGaT Center For Human Genetics Tuebingen Variant Classification Criteria Version 2. Collection method: clinical testing. Allele origin: germline. Affected: yes. Observed: 1 variant allele.
Comment: DMD: BP4, BS2

Labcorp Genetics (formerly Invitae), Labcorp
Classification: Likely benign for Duchenne muscular dystrophy. Last evaluated: 2024-02-03. Review status: criteria provided, single submitter. Criteria: Invitae Variant Classification Sherloc (09022015). Collection method: clinical testing. Allele origin: germline.